The following is an entry in ClinVar:

ClinVar aggregate classification (germline): Uncertain significance. Review status: criteria provided, multiple submitters, no conflicts (2 of 4 stars). 5 submissions from 5 submitters: Uncertain significance (5). Last evaluated 2026-01-18.

Conditions:
Hereditary cancer-predisposing syndrome. Also called: Hereditary Cancer Syndrome; Hereditary neoplastic syndrome; Neoplastic Syndromes, Hereditary; Tumor predisposition. Identifiers: Orphanet 140162, MedGen C0027672, MeSH D009386, MONDO:0015356.
Familial adenomatous polyposis 1 (FAP1). Also called: FAMILIAL ADENOMATOUS POLYPOSIS 1, ATTENUATED; POLYPOSIS, ADENOMATOUS INTESTINAL. Identifiers: MedGen C2713442, MONDO:0021056, OMIM 175100. Disease mechanism: loss of function.

Allele frequency attached by ClinVar (database versions not stated): gnomAD 0.00001; TOPMed 0.00001.
gnomAD v4.1: 16 of 1,613,864 alleles (0.00099%); highest among the groups gnomAD compares: Non-Finnish European, 0.0014%; no homozygotes.

Submissions (5):

Labcorp Genetics (formerly Invitae), Labcorp
Classification: Uncertain significance for Familial adenomatous polyposis 1. Last evaluated: 2026-01-18. Review status: criteria provided, single submitter. Criteria: Invitae Variant Classification Sherloc (09022015). Collection method: clinical testing. Allele origin: germline.
Comment: This sequence change replaces arginine, which is basic and polar, with lysine, which is basic and polar, at codon 2660 of the APC protein (p.Arg2660Lys). This variant is not present in population databases (gnomAD no frequency). This variant has not been reported in the literature in individuals affected with APC-related conditions. ClinVar contains an entry for this variant (Variation ID: 216182). Invitae Evidence Modeling of protein sequence and biophysical properties (such as structural, functional, and spatial information, amino acid conservation, physicochemical variation, residue mobility, and thermodynamic stability) indicates that this missense variant is not expected to disrupt APC protein function with a negative predictive value of 95%. In summary, the available evidence is currently insufficient to determine the role of this variant in disease. Therefore, it has been classified as a Variant of Uncertain Significance.

Ambry Genetics
Classification: Uncertain significance for Hereditary cancer-predisposing syndrome. Last evaluated: 2025-11-12. Review status: criteria provided, single submitter. Criteria: Ambry Variant Classification Scheme 2023. Collection method: clinical testing. Allele origin: germline.
Comment: The p.R2660K variant (also known as c.7979G>A), located in coding exon 15 of the APC gene, results from a G to A substitution at nucleotide position 7979. The arginine at codon 2660 is replaced by lysine, an amino acid with highly similar properties. This amino acid position is highly conserved in available vertebrate species. In addition, in silico predictors for this gene do not accurately predict pathogenicity. Missense variants in APC are not a common cause of disease (Spier I et al. Genet Med. 2024 Feb;26(2):100992). Based on the available evidence, the clinical significance of this variant remains unclear.

Color Diagnostics, LLC DBA Color Health
Classification: Uncertain significance for Hereditary cancer-predisposing syndrome. Last evaluated: 2025-09-30. Review status: criteria provided, single submitter. Criteria: ACMG Guidelines, 2015. Collection method: clinical testing. Allele origin: germline.
Comment: This missense variant replaces arginine with lysine at codon 2660 of the APC protein. Computational prediction is inconclusive regarding the impact of this variant on protein structure and function. APC is defined as a gene for which primarily truncating variants are known to cause disease (ClinGen HCCP VCEP).\\ To our knowledge, functional studies have not been reported for this variant. This variant has not been reported in individuals affected with APC-related disorders in the literature. This variant has been identified in 16/1613864 chromosomes in the general population by the Genome Aggregation Database (gnomAD 4.1). The available evidence is insufficient to determine the role of this variant in disease conclusively. Therefore, this variant is classified as a Variant of Uncertain Significance.

Quest Diagnostics Nichols Institute San Juan Capistrano
Classification: Uncertain significance. Last evaluated: 2025-01-31. Review status: criteria provided, single submitter. Criteria: Quest Diagnostics criteria. Collection method: clinical testing. Allele origin: unknown.
Comment: The APC c.7979G>A (p.Arg2660Lys) variant has not been reported in individuals with APC-related conditions in the published literature. The frequency of this variant in the general population (Genome Aggregation Database) is uninformative in the assessment of its pathogenicity. Analysis of this variant using bioinformatics tools for the prediction of the effect of amino acid changes on protein structure and function yielded predictions that this variant is damaging. Based on the available information, we are unable to determine the clinical significance of this variant.

GeneDx
Classification: Uncertain significance. Last evaluated: 2022-10-13. Review status: criteria provided, single submitter. Criteria: GeneDx Variant Classification Process June 2021. Collection method: clinical testing. Allele origin: germline. Affected: yes.
Comment: Has not been previously published as pathogenic or benign to our knowledge; Not observed at significant frequency in large population cohorts (gnomAD); In silico analysis supports that this missense variant does not alter protein structure/function; This variant is associated with the following publications: (PMID: 17088437, 18199528)

NM_000038.6(APC):c.7979G>A (p.Arg2660Lys)

Gene: APC (APC regulator of Wnt signaling pathway; plus strand). Cytogenetic location: 5q22.2.
Variant type: single nucleotide variant.
Coding change: c.7979G>A on transcript NM_000038.6 (MANE Select); coding-DNA position 7979, G replaced by A.
Protein change: p.Arg2660Lys; replaces arginine 2660 with lysine.
Molecular consequence: missense variant.
Genome position (GRCh38, 1-based): chr5:112,843,573, G>A. VCF-style: chr5-112843573-G-A. GRCh37 (hg19) VCF-style: chr5-112179270-G-A.
Other names: c.7979G>A, p.Arg2660Lys (NM_001127510.3, NM_001354895.2); c.7925G>A, p.Arg2642Lys (NM_001127511.3); c.8033G>A, p.Arg2678Lys (NM_001354896.2); c.8009G>A, p.Arg2670Lys (NM_001354897.2); c.7904G>A, p.Arg2635Lys (NM_001354898.2); c.7895G>A, p.Arg2632Lys (NM_001354899.2); c.7856G>A, p.Arg2619Lys (NM_001354900.2); c.7802G>A, p.Arg2601Lys (NM_001354901.2); and 5 more; short protein forms R2642K, R2660K, R2500K, R2635K, R2377K, R2559K, R2670K, R2569K.
Identifiers: ClinVar variation 216182 (VCV000216182.26), dbSNP rs775012353, ClinGen allele CA337404.
Genomic context (GRCh38, chr5:112,843,573, plus strand): 5'-CAAAGACTCTAATTTATCAAATGGCACCTGCTGTTTCTAAAACAGAGGATGTTTGGGTGA[G>A]AATTGAGGACTGTCCCATTAACAATCCTAGATCTGGAAGATCTCCCACAGGTAATACTCC-3'
Protein context (NP_000029.2, residues 2650-2670): AVSKTEDVWV[Arg2660Lys]IEDCPINNPR